The following is an entry in ClinVar:

NM_138694.4(PKHD1):c.3364+1G>A

Gene: PKHD1 (PKHD1 ciliary IPT domain containing fibrocystin/polyductin; minus strand). Cytogenetic location: 6p12.2.
Variant type: single nucleotide variant.
Coding change: c.3364+1G>A on transcript NM_138694.4 (MANE Select); the canonical splice donor site of the intron after coding-DNA position 3364, G replaced by A.
Molecular consequence: splice donor variant.
Genome position (GRCh38, 1-based): chr6:52,033,029, C>T on the plus strand (G>A on the coding strand, the complement: PKHD1 is on the minus strand). VCF-style: chr6-52033029-C-T. GRCh37 (hg19) VCF-style: chr6-51897827-C-T.
Other names: c.3364+1G>A (NM_170724.3).
Identifiers: ClinVar variation 4816630 (VCV004816630.2).

ClinVar aggregate classification (germline): Likely pathogenic (1 of 4 stars; one submission).

Conditions:
Autosomal recessive polycystic kidney disease (ARPKD). Also called: AR polycystic kidney disease. Identifiers: Orphanet 731, Orphanet 8378, MedGen C0085548, MeSH D017044, MONDO:0009889.

Submission:

Natera, Inc.
Classification: Likely pathogenic for Autosomal recessive polycystic kidney disease. Last evaluated: 2025-11-12. Review status: criteria provided, single submitter. Criteria: Natera Variant Classification Schema (03/2026). Collection method: clinical testing. Allele origin: germline.
Comment: The c.3364+1G>A variant in PKHD1 is a canonical splice donor site variant predicted to affect pre-mRNA splicing, which may result in an abnormal transcript and altered protein product. This variant is expected to result in nonsense mediated decay, truncation, or a dysfunctional protein product. This variant is rare in the general population with a frequency below the threshold expected for the associated phenotype(s). Given the available evidence, this variant is classified as Likely Pathogenic.